The following is an entry in ClinVar:

NM_004387.4(NKX2-5):c.335-300_335-297dup

Gene: NKX2-5 (NK2 homeobox 5; minus strand). Cytogenetic location: 5q35.1.
Variant type: Duplication.
Coding change: c.335-300_335-297dup on transcript NM_004387.4 (MANE Select); 300 bases into the intron before coding-DNA position 335 through 297 bases into the intron before coding-DNA position 335, 4 bases duplicated (TTTT; older notation c.335-300_335-297dupTTTT).
Molecular consequence: intron variant.
Genome position (GRCh38, 1-based): chr5:173,233,506-173,233,509, AAAA duplicated on the plus strand (TTTT on the coding strand, the reverse complement: NKX2-5 is on the minus strand); duplicating any 4 consecutive bases within chr5:173,233,506-173,233,519 gives the same sequence; the c. name uses the placement nearest the transcript's 3' end. VCF-style (leftmost placement, unchanged base first): chr5-173233505-C-CAAAA. GRCh37 (hg19) VCF-style: chr5-172660508-C-CAAAA.
Other names: c.335-45_335-42dup (NM_001166176.2); c.335-8_335-5dup (NM_001166175.2).
Identifiers: ClinVar variation 4981651 (VCV004981651.1).
Genomic context (GRCh38, chr5:173,233,505, plus strand): 5'-CCCTCGGGGCAGTTCACACCCTGGTGAGGGAGACAGACGGTGACTTAAAATTTCAGGCTG[C>CAAAA]AAAAAAAAAAAAAATAAATAAAAAAATAAAAAAATAAAAATAAAACCAGGTGATGCTCTG-3'

ClinVar aggregate classification (germline): Likely benign (1 of 4 stars; one submission).

Conditions:
NKX2-5-related disorder. Also called: NKX2-5-related condition.

Submission:

PreventionGenetics, part of Exact Sciences
Classification: Likely benign for NKX2-5-related condition. Last evaluated: 2025-06-30. Review status: criteria provided, single submitter. Criteria: ACMG Guidelines, 2015. Collection method: clinical testing. Allele origin: germline.
Comment: This variant is classified as likely benign based on ACMG/AMP sequence variant interpretation guidelines (Richards et al. 2015 PMID: 25741868, with internal and published modifications).